The following is an entry in ClinVar:

ClinVar aggregate classification (germline): Uncertain significance (1 of 4 stars; one submission).

Conditions:
Ullrich congenital muscular dystrophy 2 (UCMD2). Identifiers: Orphanet 75840, MedGen C4225314, MONDO:0014654, OMIM 616470.
Bethlem myopathy 2 (BTHLM2). Identifiers: Orphanet 536516, Orphanet 610, MedGen C4225313, MONDO:0034022, OMIM 616471.

Submission:

Labcorp Genetics (formerly Invitae), Labcorp
Classification: Uncertain significance for Bethlem myopathy 2; Ullrich congenital muscular dystrophy 2. Last evaluated: 2023-02-01. Review status: criteria provided, single submitter. Criteria: Invitae Variant Classification Sherloc (09022015). Collection method: clinical testing. Allele origin: germline.
Comment: This sequence change replaces threonine, which is neutral and polar, with alanine, which is neutral and non-polar, at codon 1292 of the COL12A1 protein (p.Thr1292Ala). This variant is not present in population databases (gnomAD no frequency). This variant has not been reported in the literature in individuals affected with COL12A1-related conditions. Advanced modeling of protein sequence and biophysical properties (such as structural, functional, and spatial information, amino acid conservation, physicochemical variation, residue mobility, and thermodynamic stability) performed at Invitae indicates that this missense variant is not expected to disrupt COL12A1 protein function. In summary, the available evidence is currently insufficient to determine the role of this variant in disease. Therefore, it has been classified as a Variant of Uncertain Significance.

NM_004370.6(COL12A1):c.3874A>G (p.Thr1292Ala)

Gene: COL12A1 (collagen type XII alpha 1 chain; minus strand). Cytogenetic location: 6q13.
Variant type: single nucleotide variant.
Coding change: c.3874A>G on transcript NM_004370.6 (MANE Select); coding-DNA position 3874, A replaced by G.
Protein change: p.Thr1292Ala; replaces threonine 1292 with alanine.
Molecular consequence: missense variant.
Genome position (GRCh38, 1-based): chr6:75,151,993, T>C on the plus strand (A>G on the coding strand, the complement: COL12A1 is on the minus strand). VCF-style: chr6-75151993-T-C. GRCh37 (hg19) VCF-style: chr6-75861709-T-C.
Other names: c.3874A>G, p.Thr1292Ala (NM_001424113.1, NM_001424114.1); c.3601A>G, p.Thr1201Ala (NM_001424115.1); c.382A>G, p.Thr128Ala (NM_001424116.1, NM_080645.3); short protein forms T1201A, T128A, T1292A.
Identifiers: ClinVar variation 2943840 (VCV002943840.3), dbSNP rs2533399136, ClinGen allele CA364748420.